The following is an entry in ClinVar:

NM_000642.3(AGL):c.582del (p.Thr193_Trp194insTer)

Gene: AGL (amylo-alpha-1,6-glucosidase and 4-alpha-glucanotransferase; plus strand). Cytogenetic location: 1p21.2.
Variant type: Deletion.
Coding change: c.582del on transcript NM_000642.3 (MANE Select); coding-DNA position 582, one base deleted (G; older notation c.582delG).
Protein change: p.Thr193_Trp194insTer.
Molecular consequence: nonsense. On other transcripts: frameshift variant (8).
Genome position (GRCh38, 1-based): chr1:99,864,507, G deleted; the last of 2 consecutive G bases (chr1:99,864,506-99,864,507); deleting either gives the same sequence. VCF-style (leftmost placement, unchanged base first): chr1-99864505-TG-T. GRCh37 (hg19) VCF-style: chr1-100330061-TG-T.
Other names: c.582delG, p.Trp194Terfs (NM_001425325.1, NM_001425326.1, NM_000028.3 and 3 more transcripts); c.204delG, p.Trp68Terfs (NM_001425332.1); c.534delG, p.Trp178Terfs (NM_000646.3).
Identifiers: ClinVar variation 1072797 (VCV001072797.7), dbSNP rs1650336680, ClinGen allele CA1183926509.
Genomic context (GRCh38, chr1:99,864,505, plus strand): 5'-TCCCTTGCCAATCAGTTAGAATTAAATCCTGACTTTTCAAGACCTAATAGAAAGTATACC[TG>T]GAATGATGTTGGACAGCTAGTGGAAAAATTAAAAAAGGAATGGAATGTTATTTGTATTAC-3'

ClinVar aggregate classification (germline): Pathogenic (1 of 4 stars; one submission).

Conditions:
Glycogen storage disease type III (GSD3). Also called: Cori disease; FORBES DISEASE. Identifiers: Orphanet 366, MedGen C0017922, MONDO:0009291, OMIM 232400.

Submission:

Labcorp Genetics (formerly Invitae), Labcorp
Classification: Pathogenic for Glycogen storage disease type III. Last evaluated: 2022-04-25. Review status: criteria provided, single submitter. Criteria: Invitae Variant Classification Sherloc (09022015). Collection method: clinical testing. Allele origin: germline.
Comment: For these reasons, this variant has been classified as Pathogenic. Algorithms developed to predict the effect of sequence changes on RNA splicing suggest that this variant may disrupt the consensus splice site. ClinVar contains an entry for this variant (Variation ID: 1072797). This variant has not been reported in the literature in individuals affected with AGL-related conditions. This variant is not present in population databases (gnomAD no frequency). This sequence change creates a premature translational stop signal (p.Trp194*) in the AGL gene. It is expected to result in an absent or disrupted protein product. Loss-of-function variants in AGL are known to be pathogenic (PMID: 19299494).

Literature cited by the submitters: PubMed 19299494.